The following is an entry in ClinVar:

NM_004380.3(CREBBP):c.2679G>A (p.Ser893=)

Gene: CREBBP (CREB binding lysine acetyltransferase; minus strand). Cytogenetic location: 16p13.3.
Variant type: single nucleotide variant.
Coding change: c.2679G>A on transcript NM_004380.3 (MANE Select); coding-DNA position 2679, G replaced by A.
Protein change: p.Ser893=; no amino-acid change (serine 893 retained).
Molecular consequence: synonymous variant.
Genome position (GRCh38, 1-based): chr16:3,770,771, C>T on the plus strand (G>A on the coding strand, the complement: CREBBP is on the minus strand). VCF-style: chr16-3770771-C-T. GRCh37 (hg19) VCF-style: chr16-3820772-C-T.
Other names: c.2565G>A, p.Ser855= (NM_001079846.1).
Identifiers: ClinVar variation 158349 (VCV000158349.11), dbSNP rs587783474, ClinGen allele CA271377.

ClinVar aggregate classification (germline): Conflicting classifications of pathogenicity. Review status: criteria provided, conflicting classifications (1 of 4 stars). 4 submissions from 4 submitters: Uncertain significance (1); Benign (1); Likely benign (2). Last evaluated 2025-09-18.

Conditions:
Rubinstein-Taybi syndrome (RSTS). Identifiers: Orphanet 783, MedGen C0035934, MONDO:0019188.
CREBBP-related disorder. Also called: CREBBP-related disorders; CREBBP-related condition.
Rubinstein-Taybi syndrome due to CREBBP mutations (RSTS1). Also called: RUBINSTEIN-TAYBI SYNDROME 1, INCOMPLETE; BROAD THUMB-HALLUX SYNDROME; RUBINSTEIN SYNDROME; BROAD THUMBS AND GREAT TOES, CHARACTERISTIC FACIES, AND IMPAIRED INTELLECTUAL DEVELOPMENT; Rubinstein-Taybi syndrome 1; CREBBP-Related Rubinstein-Taybi Syndrome. Identifiers: Orphanet 353277, Orphanet 783, MedGen C4551859, MONDO:0008393, OMIM 180849.

Allele frequency attached by ClinVar (database versions not stated): TOPMed below 0.00001; ExAC 0.00001; gnomAD exomes 0.00002.
gnomAD v4.1: 22 of 1,613,970 alleles (0.0014%); highest among the groups gnomAD compares: South Asian, 0.0099%; no homozygotes.

Submissions (4):

Labcorp Genetics (formerly Invitae), Labcorp
Classification: Benign for Rubinstein-Taybi syndrome. Last evaluated: 2025-09-18. Review status: criteria provided, single submitter. Criteria: Invitae Variant Classification Sherloc (09022015). Collection method: clinical testing. Allele origin: germline.

PreventionGenetics, part of Exact Sciences
Classification: Likely benign for CREBBP-related condition. Last evaluated: 2025-03-18. Review status: criteria provided, single submitter. Criteria: ACMG Guidelines, 2015. Collection method: clinical testing. Allele origin: germline.
Comment: This variant is classified as likely benign based on ACMG/AMP sequence variant interpretation guidelines (Richards et al. 2015 PMID: 25741868, with internal and published modifications).

Laboratory of Genetics, Children's Clinical University Hospital Latvia
Classification: Likely benign. Last evaluated: 2025-02-16. Review status: criteria provided, single submitter. Criteria: ACMG Guidelines, 2015. Collection method: clinical testing. Allele origin: germline. Affected: yes.

Genetic Services Laboratory, University of Chicago
Classification: Uncertain significance for Rubinstein-Taybi syndrome. Last evaluated: 2013-02-08. Review status: criteria provided, single submitter. Criteria: ACMG Guidelines, 2007. Collection method: clinical testing. Allele origin: germline. Inheritance: Autosomal dominant inheritance.